The following is an entry in ClinVar:

ClinVar aggregate classification (germline): Benign/Likely benign (0 of 4 stars; one submission).

Submission:

ISCA Site 6
Classification: Benign/Likely benign. Review status: no assertion criteria provided. Collection method: clinical testing. Allele origin: unknown. Affected: yes. Observed: 6 variant alleles. Clinical features observed: Developmental delay AND/OR other significant developmental or morphological phenotypes.
Comment: Likely benign (5), Benign (1)

Copy number variation identified through the course of routine clinical cytogenomic testing in postnatal populations, with clinical assertions as classified by the original submitter. For data from the original published study, Kaminsky, et al. 2011 (PubMed 21844811), please see nstd101.

GRCh37/hg19 4p16.3(chr4:3444416-3487232)x3

Genes: DOK7 (docking protein 7; plus strand), HGFAC (HGF activator; plus strand). Cytogenetic location: 4p16.3.
Variant type: copy number gain.
Change: copy number 3 (three copies instead of two) of chr4:3,444,416-3,487,232 (42.8 kb, GRCh37 coordinates, 1-based), cytogenetic band 4p16.3.
Identifiers: ClinVar variation 394517 (VCV000394517.3).